The following is an entry in ClinVar:

NM_001079802.2(FKTN):c.215T>A (p.Val72Glu)

Gene: FKTN (fukutin; plus strand). Cytogenetic location: 9q31.2.
Variant type: single nucleotide variant.
Coding change: c.215T>A on transcript NM_001079802.2 (MANE Select); coding-DNA position 215, T replaced by A.
Protein change: p.Val72Glu; replaces valine 72 with glutamic acid.
Molecular consequence: missense variant. On other transcripts: 5 prime UTR variant (4), non-coding transcript variant (2).
Genome position (GRCh38, 1-based): chr9:105,601,194, T>A. VCF-style: chr9-105601194-T-A. GRCh37 (hg19) VCF-style: chr9-108363475-T-A.
Other names: c.215T>A, p.Val72Glu (NM_001198963.2, NM_001351496.2, NM_001351498.2 and 1 more transcripts); c.146T>A, p.Val49Glu (NM_001351497.2); c.-300T>A (NM_001351499.2, NM_001351500.2, NM_001351501.2 and 1 more transcripts); short protein forms V49E, V72E.
Identifiers: ClinVar variation 1010184 (VCV001010184.6), dbSNP rs1827815560, ClinGen allele CA374331498.
Genomic context (GRCh38, chr9:105,601,194, plus strand): 5'-CTCTCAAACAGCGTGCAGTTAAAAAATTTATTATGTTAACATCCAACCAAAATGTACCAG[T>A]GTTTCTTATTGATCCTTTGATACTGGAATTGATTAATAAGAACTTTGAACAAGTCAAAAA-3'
Protein context (NP_001073270.1, residues 62-82): IMLTSNQNVP[Val72Glu]FLIDPLILEL

ClinVar aggregate classification (germline): Uncertain significance (1 of 4 stars; one submission).

Conditions:
Walker-Warburg congenital muscular dystrophy. Also called: Muscular dystrophy-dystroglycanopathy, type A; Walker-Warburg syndrome. Identifiers: Orphanet 899, MedGen C0265221, MONDO:0000171.

Allele frequency attached by ClinVar (database versions not stated): gnomAD exomes below 0.00001.
gnomAD v4.1: 1 of 1,611,216 alleles (0.000062%); highest among the groups gnomAD compares: Non-Finnish European, 0.000085%; no homozygotes.

Submission:

Labcorp Genetics (formerly Invitae), Labcorp
Classification: Uncertain significance for Walker-Warburg congenital muscular dystrophy. Last evaluated: 2021-09-02. Review status: criteria provided, single submitter. Criteria: Invitae Variant Classification Sherloc (09022015). Collection method: clinical testing. Allele origin: germline.
Comment: This sequence change replaces valine with glutamic acid at codon 72 of the FKTN protein (p.Val72Glu). The valine residue is highly conserved and there is a moderate physicochemical difference between valine and glutamic acid. This variant is not present in population databases (ExAC no frequency). This variant has not been reported in the literature in individuals affected with FKTN-related conditions. Algorithms developed to predict the effect of missense changes on protein structure and function (SIFT, PolyPhen-2, Align-GVGD) all suggest that this variant is likely to be disruptive. In summary, the available evidence is currently insufficient to determine the role of this variant in disease. Therefore, it has been classified as a Variant of Uncertain Significance.